The following is an entry in ClinVar:

ClinVar aggregate classification (germline): not provided (0 of 4 stars; one submission).

Conditions:
Small for gestational age. Also called: Low birth weight. Identifiers: MedGen C0235991, HP:0001518.

Submission:

Institute of Molecular and Cell Biology, University of Tartu
No classification provided. Condition: Small for gestational age. Review status: no classification provided. Collection method: case-control. Allele origin: unknown. Affected: yes. Study: Kasak2014.
Comment: The study aimed to determine the contribution of copy number variants in the genetic etiology of normal and complicated pregnancies. The samples represented (i) maternal blood DNA drawn from healthy pregnant women during 1st or 2nd trimester and (ii) maternal and paternal blood DNA drawn at term pregnancy cases representing normal and complicated gestations (severe preeclampsia, PE; gestational diabetes, GD; small-for-gestational age newborn, SGA; large-for-gestational age newborn, LGA). We performed CNV calling based on genome-wide genotyping dataset (Illumina HumanOmniExpress-24-v1 BeadChip) by applying three algorithms, QuantiSNP, GADA (Genome Alteration Detection Algorithm) and CNstream in parallel. The acquired CNV calls were merged with HD-CNV (Hotspot Detector for Copy Number Variants) program and only the CNVs predicted by at least two programs, were considered in subsequent analysis.

Literature cited by the submitters: PubMed 25666259.

Single allele

Gene: LINC01950 (long intergenic non-protein coding RNA 1950; minus strand). Cytogenetic location: 5q21.3.
Variant type: Deletion.
Identifiers: ClinVar variation 156990 (VCV000156990.2).